The following is an entry in ClinVar:

NM_000088.4(COL1A1):c.589G>T (p.Gly197Cys)

Gene: COL1A1 (collagen type I alpha 1 chain; minus strand). Cytogenetic location: 17q21.33.
Variant type: single nucleotide variant.
Coding change: c.589G>T on transcript NM_000088.4 (MANE Select); coding-DNA position 589, G replaced by T.
Protein change: p.Gly197Cys; replaces glycine 197 with cysteine.
Molecular consequence: missense variant.
Genome position (GRCh38, 1-based): chr17:50,198,002, C>A on the plus strand (G>T on the coding strand, the complement: COL1A1 is on the minus strand). VCF-style: chr17-50198002-C-A. GRCh37 (hg19) VCF-style: chr17-48275363-C-A.
Other names: c.589G>T (LRG_1t1); short protein forms G197C.
Identifiers: ClinVar variation 425635 (VCV000425635.5), dbSNP rs8179178, ClinGen allele CA291548135.
Genomic context (GRCh38, chr17:50,198,002, plus strand): 5'-TGCTTACTGAAGCTCCAGGCTCGCCAGGCTCACCAGGGGGACCTTGGAAGCCTTGGGGAC[C>A]CTTGAGAAGAAGGAAAAAGATGGGTTAGAAGACAAGTCCCTGTCAACCTTCTCCAATCTT-3'
Protein context (NP_000079.2, residues 187-207): RGLPGPPGAP[Gly197Cys]PQGFQGPPGE

ClinVar aggregate classification (germline): Pathogenic/Likely pathogenic. Review status: criteria provided, multiple submitters, no conflicts (2 of 4 stars). 4 submissions from 4 submitters: Pathogenic (2); Likely pathogenic (1). 1 of the submissions does not count toward it. Last evaluated 2025-06-18.

Conditions:
Osteogenesis imperfecta type I (OI1). Also called: OI, TYPE I; OSTEOGENESIS IMPERFECTA TARDA; OSTEOGENESIS IMPERFECTA WITH BLUE SCLERAE; Lobstein disease; Osteogenesis imperfecta type 1; Classic Non-deforming Osteogenesis Imperfecta with Blue Sclerae. Identifiers: Orphanet 216796, Orphanet 666, MedGen C0023931, MONDO:0008146, OMIM 166200. Disease mechanism: loss of function.

Submissions (4):

Clinical Biomedical Laboratory, Shriners Hospital For Children - Canada
Classification: Pathogenic for Osteogenesis imperfecta type I. Last evaluated: 2025-06-18. Review status: criteria provided, single submitter. Criteria: ACMG Guidelines, 2015. Collection method: clinical testing. Allele origin: germline. Affected: yes.
Comment: This variant is predicted to substitute a glycine residue by a cysteine residue in the alpha 1 chain of collagen type I. This is a glycine substitution close to the N-propeptide cleavage site. Such mutations often cause osteogenesis imperfecta / Ehlers-Danlos syndrome overlap syndrome (PMID 23692737). This variant has also been reported in the literature (for example: PMID 25944380). The variant has not been observed in the gnomAD v.2.1.1 database.

Dasa
Classification: Likely pathogenic. Last evaluated: 2025-04-14. Review status: criteria provided, single submitter. Criteria: DASA Assertion Criteria. Collection method: clinical testing. Allele origin: germline.
Comment: NM_000088.4(COL1A1):c.589G>T (p.Gly197Cys) is a missense variant that results in the substitution of glycine with cysteine. The affected residue or protein region has prior evidence supporting clinical relevance. This variant has been reported in individuals with COL1A1-related disorders (PMID: 28498836). Also, this variant is absent from population databases. Computational evidence supports a deleterious effect. Based on the currently available evidence, this variant is classified as likely pathogenic.

Clinical Genetics and Genomics, Karolinska University Hospital
Classification: Pathogenic. Last evaluated: 2019-12-06. Review status: criteria provided, single submitter. Criteria: ACMG Guidelines, 2015. Collection method: clinical testing. Allele origin: germline. Affected: yes. Observed: 1 variant allele.

Department of Medical Sciences, Uppsala University
Classification: Pathogenic for OI type I. Review status: no assertion criteria provided. Collection method: clinical testing. Allele origin: maternal. Affected: yes. Observed: 2 variant alleles. Not counted in ClinVar's aggregate classification.

Literature cited by the submitters: PubMed 25944380 (cited by Clinical Biomedical Laboratory, Shriners Hospital For Children - Canada and Department of Medical Sciences, Uppsala University); PubMed 23692737 (cited by Clinical Biomedical Laboratory, Shriners Hospital For Children - Canada); PubMed 28498836 (cited by Dasa).